The following is an entry in ClinVar:

ClinVar aggregate classification (germline): Uncertain significance (1 of 4 stars; one submission).

Submission:

Labcorp Genetics (formerly Invitae), Labcorp
Classification: Uncertain significance. Last evaluated: 2022-07-09. Review status: criteria provided, single submitter. Criteria: Invitae Variant Classification Sherloc (09022015). Collection method: clinical testing. Allele origin: germline.
Comment: In summary, the available evidence is currently insufficient to determine the role of this variant in disease. Therefore, it has been classified as a Variant of Uncertain Significance. Advanced modeling of protein sequence and biophysical properties (such as structural, functional, and spatial information, amino acid conservation, physicochemical variation, residue mobility, and thermodynamic stability) performed at Invitae indicates that this missense variant is not expected to disrupt GABRB1 protein function. This variant has not been reported in the literature in individuals affected with GABRB1-related conditions. This variant is not present in population databases (gnomAD no frequency). This sequence change replaces serine, which is neutral and polar, with cysteine, which is neutral and slightly polar, at codon 434 of the GABRB1 protein (p.Ser434Cys).

NM_000812.4(GABRB1):c.1301C>G (p.Ser434Cys)

Gene: GABRB1 (gamma-aminobutyric acid type A receptor subunit beta1; plus strand). Cytogenetic location: 4p12.
Variant type: single nucleotide variant.
Coding change: c.1301C>G on transcript NM_000812.4 (MANE Select); coding-DNA position 1301, C replaced by G.
Protein change: p.Ser434Cys; replaces serine 434 with cysteine.
Molecular consequence: missense variant.
Genome position (GRCh38, 1-based): chr4:47,425,894, C>G. VCF-style: chr4-47425894-C-G. GRCh37 (hg19) VCF-style: chr4-47427911-C-G.
Other names: short protein forms S434C.
Identifiers: ClinVar variation 2015390 (VCV002015390.4), dbSNP rs2475516542, ClinGen allele CA356767637.